The following is an entry in ClinVar:

NM_015046.7(SETX):c.7100+9T>C

Gene: SETX (senataxin; minus strand). Cytogenetic location: 9q34.13.
Variant type: single nucleotide variant.
Coding change: c.7100+9T>C on transcript NM_015046.7 (MANE Select); 9 bases into the intron after coding-DNA position 7100, T replaced by C.
Molecular consequence: intron variant.
Genome position (GRCh38, 1-based): chr9:132,275,247, A>G on the plus strand (T>C on the coding strand, the complement: SETX is on the minus strand). VCF-style: chr9-132275247-A-G. GRCh37 (hg19) VCF-style: chr9-135150634-A-G.
Other names: p.?; c.7100+9T>C (NM_001351528.2, NM_001351527.2).
Identifiers: ClinVar variation 468521 (VCV000468521.22), dbSNP rs200088320, ClinGen allele CA5296516.

ClinVar aggregate classification (germline): Conflicting classifications of pathogenicity. Review status: criteria provided, conflicting classifications (1 of 4 stars). 7 submissions from 6 submitters: Uncertain significance (3); Benign (1); Likely benign (2). 1 of the submissions does not count toward it. Last evaluated 2025-11-12.

Conditions:
SETX-related disorder. Also called: SETX-related condition; SETX-related disorders. Identifiers: MedGen CN239403.
Amyotrophic lateral sclerosis type 4 (ALS4). Also called: NEURONOPATHY, DISTAL HEREDITARY MOTOR, WITH PYRAMIDAL FEATURES; AMYOTROPHIC LATERAL SCLEROSIS 4, JUVENILE. Identifiers: Orphanet 357043, MedGen C1865409, MONDO:0011223, OMIM 602433.
Spinocerebellar ataxia, autosomal recessive, with axonal neuropathy 2 (SCAN2). Also called: Ataxia-ocular apraxia-2; ATAXIA-OCULOMOTOR APRAXIA 2; Ataxia with Oculomotor Apraxia; Ataxia with Oculomotor Apraxia Type 2. Identifiers: Orphanet 64753, MedGen C1853761, MONDO:0018996, OMIM 606002.
Hereditary spastic paraplegia. Also called: Familial spastic paraparesis. Identifiers: Orphanet 685, MedGen C0037773, MONDO:0019064. Disease mechanism: loss of function.

Allele frequency attached by ClinVar (database versions not stated): ExAC 0.00011; ESP Exome Variant Server 0.00015; gnomAD 0.00015 and 0.00017; TOPMed 0.00015; 1000 Genomes Project 30x 0.00016; 1000 Genomes Project 0.00020.

Submissions (7):

Labcorp Genetics (formerly Invitae), Labcorp
Classification: Likely benign for Amyotrophic lateral sclerosis type 4; Spinocerebellar ataxia, autosomal recessive, with axonal neuropathy 2. Last evaluated: 2025-11-12. Review status: criteria provided, single submitter. Criteria: Invitae Variant Classification Sherloc (09022015). Collection method: clinical testing. Allele origin: germline.

Mayo Clinic Laboratories, Mayo Clinic
Classification: Likely benign. Last evaluated: 2025-10-19. Review status: criteria provided, single submitter. Criteria: ACMG Guidelines, 2015. Collection method: clinical testing. Allele origin: germline. Observed: 1 variant allele.
Comment: BS1, BP4, BP7

Athena Diagnostics
Classification: Benign. Last evaluated: 2018-02-22. Review status: criteria provided, single submitter. Criteria: Athena Diagnostics Criteria. Collection method: clinical testing. Allele origin: germline.

Genome Diagnostics Laboratory, The Hospital for Sick Children
Classification: Uncertain significance for Hereditary spastic paraplegia. Last evaluated: 2018-02-01. Review status: criteria provided, single submitter. Criteria: ACMG Guidelines, 2015. Collection method: clinical testing. Allele origin: germline. Affected: yes.

Illumina Laboratory Services, Illumina
Classification: Uncertain significance for Amyotrophic lateral sclerosis type 4. Last evaluated: 2018-01-13. Review status: criteria provided, single submitter. Criteria: ICSL Variant Classification Criteria 13 December 2019. Collection method: clinical testing. Allele origin: germline.

Illumina Laboratory Services, Illumina
Classification: Uncertain significance for Spinocerebellar ataxia, autosomal recessive, with axonal neuropathy 2. Last evaluated: 2018-01-13. Review status: criteria provided, single submitter. Criteria: ICSL Variant Classification Criteria 13 December 2019. Collection method: clinical testing. Allele origin: germline.

PreventionGenetics, part of Exact Sciences
Classification: Likely benign for SETX-related condition. Last evaluated: 2019-07-11. Review status: no assertion criteria provided. Collection method: clinical testing. Allele origin: germline. Not counted in ClinVar's aggregate classification.
Comment: This variant is classified as likely benign based on ACMG/AMP sequence variant interpretation guidelines (Richards et al. 2015 PMID: 25741868, with internal and published modifications).